The following is an entry in ClinVar:

NM_001034853.2:c.29_618del

Gene: RPGR (retinitis pigmentosa GTPase regulator; minus strand).
Variant type: Deletion.
Other names: c.29_618del (NM_001034853.2).
Identifiers: ClinVar variation 5037932 (VCV005037932.1).

ClinVar aggregate classification (germline): Likely pathogenic (0 of 4 stars; one submission).

Conditions:
Rod-cone dystrophy. Identifiers: MedGen C4551714, HP:0000510.

Submission:

Centre for Vision Research, Duke-NUS Medical School
Classification: Likely pathogenic for Rod-cone dystrophy. Last evaluated: 2026-09-04. Review status: no assertion criteria provided. Collection method: clinical testing. Allele origin: germline. Affected: yes. Observed: 2 variant alleles.
Comment: This deletion affects exons 2-6, with predicted frameshift and likely nonsense-mediated decay.